The following is an entry in ClinVar:

NM_145054.5(CFAP52):c.189delinsAGCA (p.His63delinsGlnAla)

Gene: CFAP52 (cilia and flagella associated protein 52; plus strand). Cytogenetic location: 17p13.1.
Variant type: Indel.
Coding change: c.189delinsAGCA on transcript NM_145054.5 (MANE Select); coding-DNA position 189, T replaced by AGCA.
Protein change: p.His63delinsGlnAla.
Molecular consequence: inframe indel. On other transcripts: intron variant (1).
Genome position (GRCh38, 1-based): chr17:9,585,891, T replaced by AGCA. VCF-style: chr17-9585891-T-AGCA. GRCh37 (hg19) VCF-style: chr17-9489208-T-AGCA.
Other names: c.71-811delinsAGCA (NM_001080556.2).
Identifiers: ClinVar variation 641856 (VCV000641856.13), dbSNP rs1597763121, ClinGen allele CA915949567.

ClinVar aggregate classification (germline): Uncertain significance. Review status: criteria provided, multiple submitters, no conflicts (2 of 4 stars). 3 submissions from 3 submitters: Uncertain significance (3). Last evaluated 2025-10-01.

Conditions:
Situs inversus. Also called: Situs inversus totalis. Identifiers: Orphanet 101063, MedGen C4551493, MONDO:0010029, HP:0001696.

Submissions (3):

CeGaT Center for Human Genetics Tuebingen
Classification: Uncertain significance. Last evaluated: 2025-10-01. Review status: criteria provided, single submitter. Criteria: CeGaT Center For Human Genetics Tuebingen Variant Classification Criteria Version 2. Collection method: clinical testing. Allele origin: germline. Affected: yes. Observed: 1 variant allele.
Comment: CFAP52: PM2

Labcorp Genetics (formerly Invitae), Labcorp
Classification: Uncertain significance for Situs inversus. Last evaluated: 2024-02-24. Review status: criteria provided, single submitter. Criteria: Invitae Variant Classification Sherloc (09022015). Collection method: clinical testing. Allele origin: germline.
Comment: This variant, c.189delinsAGCA, is a complex sequence change that results in the deletion of one and insertion of two amino acid(s) in the CFAP52 protein (p.His63delinsGlnAla). This variant is present in population databases (rs780399162, gnomAD 0.2%), and has an allele count higher than expected for a pathogenic variant. This variant has not been reported in the literature in individuals affected with CFAP52-related conditions. Experimental studies and prediction algorithms are not available or were not evaluated, and the functional significance of this variant is currently unknown. In summary, the available evidence is currently insufficient to determine the role of this variant in disease. Therefore, it has been classified as a Variant of Uncertain Significance.

GeneDx
Classification: Uncertain significance. Last evaluated: 2023-05-09. Review status: criteria provided, single submitter. Criteria: GeneDx Variant Classification Process June 2021. Collection method: clinical testing. Allele origin: germline. Affected: yes.
Comment: In-frame deletion of 1 amino acid and insertion of 2 amino acids in a non-repeat region; In silico analysis supports that this missense variant has a deleterious effect on protein structure/function; Has not been previously published as pathogenic or benign to our knowledge